The following is an entry in ClinVar:

NM_207037.2(TCF12):c.1036-1_1040del

Gene: TCF12 (transcription factor 12; plus strand). Cytogenetic location: 15q21.3.
Variant type: Deletion.
Coding change: c.1036-1_1040del on transcript NM_207037.2 (MANE Select); the canonical splice acceptor site of the intron before coding-DNA position 1036 through coding-DNA position 1040, 6 bases deleted (GATTTA; older notation c.1036-1_1040delGATTTA).
Molecular consequence: splice acceptor variant.
Genome position (GRCh38, 1-based): chr15:57,243,471-57,243,476, GATTTA deleted; deleting any 6 consecutive bases within chr15:57,243,468-57,243,476 gives the same sequence; the c. name uses the placement nearest the transcript's 3' end. VCF-style (leftmost placement, unchanged base first): chr15-57243467-GTTAGAT-G. GRCh37 (hg19) VCF-style: chr15-57535665-GTTAGAT-G.
Other names: c.1036-1_1040del (NM_001322151.2, NM_001322159.3, NM_001322157.3 and 7 more transcripts); c.862-1_866del (NM_001322156.2, NM_001322158.2); c.379-1_383del (NM_001322154.2); c.1072-1_1076del (NM_001322164.2); c.526-1_530del (NM_001306219.3, NM_207040.2); c.328-1_332del (NM_001306220.3).
Identifiers: ClinVar variation 3383499 (VCV003383499.1).
Genomic context (GRCh38, chr15:57,243,467, plus strand): 5'-GAACGGATTTGTGTATGTGCTGTTGTCACATGTTGATACATGTATATTTCTTGTTTTCTG[GTTAGAT>G]TTATTCTCCTGACCATACCAGCAGTAGTTTTCCGTCAAATCCATCAACACCAGTTGGATC-3'

ClinVar aggregate classification (germline): Pathogenic (1 of 4 stars; one submission).

Submission:

GeneDx
Classification: Pathogenic. Last evaluated: 2024-05-24. Review status: criteria provided, single submitter. Criteria: GeneDx Variant Classification Process June 2021. Collection method: clinical testing. Allele origin: germline. Affected: yes.
Comment: Canonical splice site variant predicted to result in a null allele in a gene for which loss of function is a known mechanism of disease; Not observed at significant frequency in large population cohorts (gnomAD); This variant is associated with the following publications: (PMID: 33904513)